The following is an entry in ClinVar:

ClinVar aggregate classification (germline): Benign. Review status: criteria provided, multiple submitters, no conflicts (2 of 4 stars). 4 submissions from 4 submitters: Benign (4). Last evaluated 2026-08-01.

Conditions:
Plasminogen deficiency, type I. Also called: Type 1 plasminogen deficiency; Hypoplasminogenemia. Identifiers: Orphanet 722, MedGen C1968804, MONDO:0009009, OMIM 217090.
Angioedema, hereditary, 4. Identifiers: MedGen C5543503, MONDO:0025712, OMIM 619360.

Allele frequency attached by ClinVar (database versions not stated): gnomAD exomes 0.00256 and 0.00477; ExAC 0.00559; gnomAD 0.01287 and 0.01344; ESP Exome Variant Server 0.01407; 1000 Genomes Project 0.01418; 1000 Genomes Project 30x 0.01452; TOPMed 0.01467.
gnomAD v4.1: 6,015 of 1,613,750 alleles (0.37%); highest among the groups gnomAD compares: Middle Eastern, 10%; 195 homozygotes.

Submissions (4):

CeGaT Center for Human Genetics Tuebingen
Classification: Benign. Last evaluated: 2026-08-01. Review status: criteria provided, single submitter. Criteria: CeGaT Center For Human Genetics Tuebingen Variant Classification Criteria Version 2. Collection method: clinical testing. Allele origin: germline. Affected: yes. Observed: 4 variant alleles.
Comment: PLG: BP4, BS1, BS2

Labcorp Genetics (formerly Invitae), Labcorp
Classification: Benign. Last evaluated: 2026-01-27. Review status: criteria provided, single submitter. Criteria: Invitae Variant Classification Sherloc (09022015). Collection method: clinical testing. Allele origin: germline.

Mayo Clinic Laboratories, Mayo Clinic
Classification: Benign. Last evaluated: 2024-08-28. Review status: criteria provided, single submitter. Criteria: ACMG Guidelines, 2015. Collection method: clinical testing. Allele origin: germline. Observed: 35 variant alleles.
Comment: BS1, BS2, BP4

Fulgent Genetics
Classification: Benign for Plasminogen deficiency, type I; Angioedema, hereditary, 4. Last evaluated: 2021-09-27. Review status: criteria provided, single submitter. Criteria: ACMG Guidelines, 2015. Collection method: clinical testing. Allele origin: unknown.

Literature cited by the submitters: PubMed 37744338 (cited by Mayo Clinic Laboratories, Mayo Clinic).

NM_000301.5(PLG):c.1380T>A (p.Ser460Arg)

Gene: PLG (plasminogen; plus strand). Cytogenetic location: 6q26.
Variant type: single nucleotide variant.
Coding change: c.1380T>A on transcript NM_000301.5 (MANE Select); coding-DNA position 1380, T replaced by A.
Protein change: p.Ser460Arg; replaces serine 460 with arginine.
Molecular consequence: missense variant.
Genome position (GRCh38, 1-based): chr6:160,731,174, T>A. VCF-style: chr6-160731174-T-A. GRCh37 (hg19) VCF-style: chr6-161152206-T-A.
Other names: p.Ser460Arg; short protein forms S460R.
Identifiers: ClinVar variation 778275 (VCV000778275.17), dbSNP rs116573785, ClinGen allele CA4087763.